The following is an entry in ClinVar:

NM_015175.3(NBEAL2):c.1645G>A (p.Gly549Arg)

Gene: NBEAL2 (neurobeachin like 2; plus strand). Cytogenetic location: 3p21.31.
Variant type: single nucleotide variant.
Coding change: c.1645G>A on transcript NM_015175.3 (MANE Select); coding-DNA position 1645, G replaced by A.
Protein change: p.Gly549Arg; replaces glycine 549 with arginine.
Molecular consequence: missense variant.
Genome position (GRCh38, 1-based): chr3:46,995,380, G>A. VCF-style: chr3-46995380-G-A. GRCh37 (hg19) VCF-style: chr3-47036870-G-A.
Other names: c.1543G>A, p.Gly515Arg (NM_001365116.2); short protein forms G515R, G549R.
Identifiers: ClinVar variation 3251739 (VCV003251739.1), dbSNP rs775584733.
Genomic context (GRCh38, chr3:46,995,380, plus strand): 5'-AGGCCCATGGAGCTGCGTCACCTGCTGCGCCCCCGGCCAGGATTGGACTCGGAACCAGGC[G>A]GAGCTGAGGCTGGAAAGGCCCGACACGCAGGTGCTGTCATCCGCACATTATCAGGCATGG-3'
Protein context (NP_055990.1, residues 539-559): PRPGLDSEPG[Gly549Arg]AEAGKARHAG

ClinVar aggregate classification (germline): Uncertain significance (1 of 4 stars; one submission).

Allele frequency attached by ClinVar (database versions not stated): gnomAD exomes 0.00001; ExAC 0.00002; gnomAD 0.00002; TOPMed 0.00003.
gnomAD v4.1: 12 of 1,612,460 alleles (0.00074%); highest among the groups gnomAD compares: African/African-American, 0.0093%; no homozygotes.

Submission:

Women's Health and Genetics/Laboratory Corporation of America, LabCorp
Classification: Uncertain significance. Last evaluated: 2024-04-24. Review status: criteria provided, single submitter. Criteria: LabCorp Variant Classification Summary - May 2015. Collection method: clinical testing. Allele origin: germline.
Comment: Variant summary: NBEAL2 c.1645G>A (p.Gly549Arg) results in a non-conservative amino acid change in the encoded protein sequence. Four of five in-silico tools predict a benign effect of the variant on protein function. The variant allele was found at a frequency of 2e-05 in 246820 control chromosomes. The available data on variant occurrences in the general population are insufficient to allow any conclusion about variant significance. To our knowledge, no occurrence of c.1645G>A in individuals affected with Gray Platelet Syndrome and no experimental evidence demonstrating its impact on protein function have been reported. No submitters have cited clinical-significance assessments for this variant to ClinVar. Based on the evidence outlined above, the variant was classified as uncertain significance.